The following is an entry in ClinVar:

ClinVar aggregate classification (germline): Uncertain significance (1 of 4 stars; one submission).

Conditions:
Progressive myoclonic epilepsy. Also called: Myoclonic Epilepsies, Progressive; Familial progressive myoclonic epilepsy; Myoclonus epilepsy; Progressive myoclonus epilepsy. Identifiers: Orphanet 308, Orphanet 98261, MedGen C0751778, MONDO:0020074.

Allele frequency attached by ClinVar (database versions not stated): TOPMed below 0.00001; gnomAD exomes 0.00001.
gnomAD v4.1: 38 of 1,526,796 alleles (0.0025%); highest among the groups gnomAD compares: Non-Finnish European, 0.0033%; no homozygotes.

Submission:

Labcorp Genetics (formerly Invitae), Labcorp
Classification: Uncertain significance for Progressive myoclonic epilepsy. Last evaluated: 2023-07-30. Review status: criteria provided, single submitter. Criteria: Invitae Variant Classification Sherloc (09022015). Collection method: clinical testing. Allele origin: germline.
Comment: In summary, the available evidence is currently insufficient to determine the role of this variant in disease. Therefore, it has been classified as a Variant of Uncertain Significance. Algorithms developed to predict the effect of missense changes on protein structure and function output the following: SIFT: "Not Available"; PolyPhen-2: "Benign"; Align-GVGD: "Not Available". The valine amino acid residue is found in multiple mammalian species, which suggests that this missense change does not adversely affect protein function. ClinVar contains an entry for this variant (Variation ID: 947418). This variant has not been reported in the literature in individuals affected with EPM2A-related conditions. The frequency data for this variant in the population databases is considered unreliable, as metrics indicate poor data quality at this position in the gnomAD database. This sequence change replaces leucine, which is neutral and non-polar, with valine, which is neutral and non-polar, at codon 97 of the EPM2A protein (p.Leu97Val).

NM_005670.4(EPM2A):c.289C>G (p.Leu97Val)

Genes: EPM2A (EPM2A glucan phosphatase, laforin; minus strand), EPM2A-DT (EPM2A divergent transcript; plus strand), LOC129997381 (ATAC-STARR-seq lymphoblastoid silent region 17642; plus strand). Cytogenetic location: 6q24.3.
Variant type: single nucleotide variant.
Coding change: c.289C>G on transcript NM_005670.4 (MANE Select); coding-DNA position 289, C replaced by G.
Protein change: p.Leu97Val; replaces leucine 97 with valine.
Molecular consequence: missense variant. On other transcripts: 5 prime UTR variant (2), intron variant (2).
Genome position (GRCh38, 1-based): chr6:145,735,210, G>C on the plus strand (C>G on the coding strand, the complement: EPM2A is on the minus strand). VCF-style: chr6-145735210-G-C. GRCh37 (hg19) VCF-style: chr6-146056346-G-C.
Other names: c.289C>G, p.Leu97Val (NM_001018041.2, NM_001360057.2, NM_001368130.1); c.-381C>G (NM_001360071.2); c.-335C>G (NM_001368129.2); c.-114+698C>G (NM_001360064.2); c.-114+35C>G (NM_001368131.1); short protein forms L97V.
Identifiers: ClinVar variation 947418 (VCV000947418.9), dbSNP rs1398721266, ClinGen allele CA366187862.